The following is an entry in ClinVar:

ClinVar aggregate classification (germline): Pathogenic (1 of 4 stars; one submission).

Allele frequency attached by ClinVar (database versions not stated): ExAC 0.00001; gnomAD 0.00002; TOPMed 0.00005.

Submission:

Labcorp Genetics (formerly Invitae), Labcorp
Classification: Pathogenic. Last evaluated: 2022-07-22. Review status: criteria provided, single submitter. Criteria: Invitae Variant Classification Sherloc (09022015). Collection method: clinical testing. Allele origin: germline.
Comment: This sequence change creates a premature translational stop signal (p.Met33Ilefs*42) in the ARL2BP gene. It is expected to result in an absent or disrupted protein product. Loss-of-function variants in ARL2BP are known to be pathogenic (PMID: 23849777, 27790702, 29718757, 30210231). For these reasons, this variant has been classified as Pathogenic. This variant has not been reported in the literature in individuals affected with ARL2BP-related conditions. This variant is present in population databases (rs757449294, gnomAD 0.01%).

Literature cited by the submitters: PubMed 23849777; PubMed 27790702; PubMed 29718757; PubMed 30210231.

NM_012106.4(ARL2BP):c.97_98dup (p.Met33fs)

Gene: ARL2BP (ARF like GTPase 2 binding protein; plus strand). Cytogenetic location: 16q13.
Variant type: Duplication.
Coding change: c.97_98dup on transcript NM_012106.4 (MANE Select); coding-DNA positions 97 to 98, 2 bases duplicated (AT; older notation c.97_98dupAT).
Protein change: p.Met33fs; shifts the reading frame from methionine 33.
Molecular consequence: frameshift variant.
Genome position (GRCh38, 1-based): chr16:57,246,138-57,246,139, AT duplicated. VCF-style (leftmost placement, unchanged base first): chr16-57246137-C-CAT. GRCh37 (hg19) VCF-style: chr16-57280049-C-CAT.
Other names: short protein forms M33fs.
Identifiers: ClinVar variation 2116238 (VCV002116238.4), dbSNP rs757449294, ClinGen allele CA8074839.